The following is an entry in ClinVar:

NM_000059.4(BRCA2):c.6052_6053del (p.Lys2017_Ser2018insTer)

Gene: BRCA2 (BRCA2 DNA repair associated; plus strand). Cytogenetic location: 13q13.1.
Variant type: Deletion.
Coding change: c.6052_6053del on transcript NM_000059.4 (MANE Select); coding-DNA positions 6052 to 6053, 2 bases deleted (AG; older notation c.6052_6053delAG).
Protein change: p.Lys2017_Ser2018insTer.
Molecular consequence: nonsense.
Genome position (GRCh38, 1-based): chr13:32,340,407-32,340,408, AG deleted. VCF-style (leftmost placement, unchanged base first): chr13-32340406-AAG-A. GRCh37 (hg19) VCF-style: chr13-32914543-AAG-A.
Other names: 6280delAG; c.6052_6053delAG (NM_000059.3).
Identifiers: ClinVar variation 266918 (VCV000266918.12), dbSNP rs886040631, ClinGen allele CA10589349.
Genomic context (GRCh38, chr13:32,340,406, plus strand): 5'-ACAAGTGTTTTCTGAAATAGAAGATAGTACCAAGCAAGTCTTTTCCAAAGTATTGTTTAA[AAG>A]TAACGAACATTCAGACCAGCTCACAAGAGAAGAAAATACTGCTATACGTACTCCAGAACA-3'

ClinVar aggregate classification (germline): Pathogenic. Review status: reviewed by expert panel (3 of 4 stars). 6 submissions from 6 submitters: Pathogenic (1). 5 of the submissions do not count toward it. Last evaluated 2016-10-18.

Conditions:
Breast-ovarian cancer, familial, susceptibility to, 2 (BROVCA2). Also called: BRCA2 Hereditary Breast and Ovarian Cancer. Identifiers: Orphanet 145, MedGen C2675520, MONDO:0012933, OMIM 612555. Disease mechanism: loss of function.
Hereditary breast ovarian cancer syndrome. Also called: BRCA1- and BRCA2-Associated Hereditary Breast and Ovarian Cancer; Hereditary breast and ovarian cancer; Hereditary breast and ovarian cancer syndrome (HBOC); Breast and ovarian cancer; Hereditary breast and/or ovarian cancer syndrome; Hereditary breast and ovarian cancer syndrome. Identifiers: Orphanet 145, MedGen C0677776, MeSH D061325, MONDO:0003582. Disease mechanism: loss of function.
BRCA2-related cancer predisposition. Identifiers: MedGen CN377758, MONDO:0700269.
Hereditary cancer-predisposing syndrome. Also called: Hereditary Cancer Syndrome; Tumor predisposition; Hereditary neoplastic syndrome; Neoplastic Syndromes, Hereditary. Identifiers: Orphanet 140162, MedGen C0027672, MeSH D009386, MONDO:0015356.

Allele frequency attached by ClinVar (database versions not stated): gnomAD exomes below 0.00001.

Submissions (6):

Evidence-based Network for the Interpretation of Germline Mutant Alleles (ENIGMA)
Classification: Pathogenic for Breast-ovarian cancer, familial, susceptibility to, 2. Last evaluated: 2016-10-18. Review status: reviewed by expert panel. Criteria: ENIGMA BRCA1/2 Classification Criteria (2015). Collection method: curation. Allele origin: germline.
Comment: Variant allele predicted to encode a truncated non-functional protein.

Ambry Genetics
Classification: Pathogenic for Hereditary cancer-predisposing syndrome. Last evaluated: 2026-09-10. Review status: criteria provided, single submitter. Criteria: Ambry Variant Classification Scheme 2023. Collection method: clinical testing. Allele origin: germline. Not counted in ClinVar's aggregate classification.
Comment: The c.6052_6053delAG pathogenic mutation, located in coding exon 10 of the BRCA2 gene, results from a deletion of two nucleotides at nucleotide positions 6052 to 6053, causing a translational frameshift with a predicted alternate stop codon (p.S2018*). This variant is considered to be rare based on population cohorts in the Genome Aggregation Database (gnomAD). This alteration is expected to result in loss of function by premature protein truncation or nonsense-mediated mRNA decay. As such, this alteration is interpreted as a disease-causing mutation.

Labcorp Genetics (formerly Invitae), Labcorp
Classification: Pathogenic for Hereditary breast ovarian cancer syndrome. Last evaluated: 2021-03-18. Review status: criteria provided, single submitter. Criteria: Invitae Variant Classification Sherloc (09022015). Collection method: clinical testing. Allele origin: germline. Not counted in ClinVar's aggregate classification.
Comment: This sequence change creates a premature translational stop signal (p.Ser2018*) in the BRCA2 gene. It is expected to result in an absent or disrupted protein product. This variant is not present in population databases (ExAC no frequency). This variant has not been reported in the literature in individuals with BRCA2-related conditions. ClinVar contains an entry for this variant (Variation ID: 266918). Loss-of-function variants in BRCA2 are known to be pathogenic (PMID: 20104584). For these reasons, this variant has been classified as Pathogenic.

Department of Pathology and Laboratory Medicine, Sinai Health System
Classification: Pathogenic for BRCA2-related cancer predisposition. Last evaluated: 2020-11-30. Review status: criteria provided, single submitter. Criteria: ACMG Guidelines, 2015. Collection method: clinical testing. Allele origin: germline. Affected: no. Not counted in ClinVar's aggregate classification.

Consortium of Investigators of Modifiers of BRCA1/2 (CIMBA), c/o University of Cambridge
Classification: Pathogenic for Breast-ovarian cancer, familial, susceptibility to, 2. Last evaluated: 2015-10-02. Review status: criteria provided, single submitter. Criteria: CIMBA Mutation Classification guidelines May 2016. Collection method: clinical testing. Allele origin: germline. Not counted in ClinVar's aggregate classification.

Research Molecular Genetics Laboratory, Women's College Hospital, University of Toronto
Classification: Pathogenic for Hereditary breast ovarian cancer syndrome. Last evaluated: 2014-01-31. Review status: no assertion criteria provided. Collection method: research. Allele origin: germline. Affected: yes. Study: The Canadian Open Genetics Repository (COGR). Not counted in ClinVar's aggregate classification.

Literature cited by the submitters: PubMed 20104584 (cited by Labcorp Genetics (formerly Invitae), Labcorp).